The following is an entry in ClinVar:

ClinVar aggregate classification (germline): Conflicting classifications of pathogenicity. Review status: criteria provided, conflicting classifications (1 of 4 stars). 4 submissions from 4 submitters: Uncertain significance (1); Likely benign (3). Last evaluated 2025-10-10.

Conditions:
Dilated cardiomyopathy 1G (CMD1G). Identifiers: Orphanet 154, MedGen C1858763, MONDO:0011400, OMIM 604145.
Autosomal recessive limb-girdle muscular dystrophy type 2J (LGMDR10). Also called: MUSCULAR DYSTROPHY, LIMB-GIRDLE, AUTOSOMAL RECESSIVE 10; Limb-girdle muscular dystrophy, type 2J. Identifiers: Orphanet 140922, MedGen C1837342, MONDO:0012127, OMIM 608807.
Cardiovascular phenotype. Identifiers: MedGen CN230736.
TTN-related disorder. Also called: TTN-related condition; TTN-related disease; TTN-related disorders.

Allele frequency attached by ClinVar (database versions not stated): TOPMed 0.00002; gnomAD 0.00003.
gnomAD v4.1: 59 of 1,613,682 alleles (0.0037%); highest among the groups gnomAD compares: Non-Finnish European, 0.0049%; no homozygotes.

Submissions (4):

Labcorp Genetics (formerly Invitae), Labcorp
Classification: Likely benign for Dilated cardiomyopathy 1G; Autosomal recessive limb-girdle muscular dystrophy type 2J. Last evaluated: 2025-10-10. Review status: criteria provided, single submitter. Criteria: Invitae Variant Classification Sherloc (09022015). Collection method: clinical testing. Allele origin: germline.

PreventionGenetics, part of Exact Sciences
Classification: Likely benign for TTN-related condition. Last evaluated: 2025-06-29. Review status: criteria provided, single submitter. Criteria: ACMG Guidelines, 2015. Collection method: clinical testing. Allele origin: germline.
Comment: This variant is classified as likely benign based on ACMG/AMP sequence variant interpretation guidelines (Richards et al. 2015 PMID: 25741868, with internal and published modifications).

Ambry Genetics
Classification: Likely benign for Cardiovascular phenotype. Last evaluated: 2021-03-18. Review status: criteria provided, single submitter. Criteria: Ambry Variant Classification Scheme 2023. Collection method: clinical testing. Allele origin: germline.

Eurofins Ntd Llc (ga)
Classification: Uncertain significance. Last evaluated: 2018-06-05. Review status: criteria provided, single submitter. Criteria: EGL ClinVar v180209 classification definitions. Collection method: clinical testing. Allele origin: germline. Observed: 1 variant allele, 1 heterozygote.

NM_001267550.2(TTN):c.12564C>A (p.Ala4188=)

Gene: TTN (titin; minus strand). Cytogenetic location: 2q31.2.
Variant type: single nucleotide variant.
Coding change: c.12564C>A on transcript NM_001267550.2 (MANE Select); coding-DNA position 12564, C replaced by A.
Protein change: p.Ala4188=; no amino-acid change (alanine 4188 retained).
Molecular consequence: synonymous variant. On other transcripts: intron variant (1).
Genome position (GRCh38, 1-based): chr2:178,740,669, G>T on the plus strand (C>A on the coding strand, the complement: TTN is on the minus strand). VCF-style: chr2-178740669-G-T. GRCh37 (hg19) VCF-style: chr2-179605396-G-T.
Other names: c.11613C>A, p.Ala3871= (NM_001256850.1); c.11475C>A, p.Ala3825= (NM_003319.4); c.11850C>A, p.Ala3950= (NM_133432.3); c.12051C>A, p.Ala4017= (NM_133437.4); c.10361-2309C>A (NM_133378.4).
Identifiers: ClinVar variation 597384 (VCV000597384.18), dbSNP rs547338168, ClinGen allele CA430296256.